The following is an entry in ClinVar:

NM_006767.4(LZTR1):c.2295G>C (p.Glu765Asp)

Gene: LZTR1 (leucine zipper like post translational regulator 1; plus strand). Cytogenetic location: 22q11.21.
Variant type: single nucleotide variant.
Coding change: c.2295G>C on transcript NM_006767.4 (MANE Select); coding-DNA position 2295, G replaced by C.
Protein change: p.Glu765Asp; replaces glutamic acid 765 with aspartic acid.
Molecular consequence: missense variant.
Genome position (GRCh38, 1-based): chr22:20,996,771, G>C. VCF-style: chr22-20996771-G-C. GRCh37 (hg19) VCF-style: chr22-21351060-G-C.
Other names: short protein forms E765D.
Identifiers: ClinVar variation 3238229 (VCV003238229.3), dbSNP rs1175579360.

ClinVar aggregate classification (germline): Uncertain significance. Review status: criteria provided, multiple submitters, no conflicts (2 of 4 stars). 2 submissions from 2 submitters: Uncertain significance (2). Last evaluated 2024-10-30.

Conditions:
Hereditary cancer-predisposing syndrome. Also called: Neoplastic Syndromes, Hereditary; Tumor predisposition; Hereditary neoplastic syndrome; Hereditary Cancer Syndrome. Identifiers: Orphanet 140162, MedGen C0027672, MeSH D009386, MONDO:0015356.
Cardiovascular phenotype. Identifiers: MedGen CN230736.

gnomAD v4.1: 1 of 1,613,526 alleles (0.000062%); highest among the groups gnomAD compares: Non-Finnish European, 0.000085%; no homozygotes.

Submissions (2):

Labcorp Genetics (formerly Invitae), Labcorp
Classification: Uncertain significance. Last evaluated: 2024-10-30. Review status: criteria provided, single submitter. Criteria: Invitae Variant Classification Sherloc (09022015). Collection method: clinical testing. Allele origin: germline.
Comment: This sequence change replaces glutamic acid, which is acidic and polar, with aspartic acid, which is acidic and polar, at codon 765 of the LZTR1 protein (p.Glu765Asp). This variant is not present in population databases (gnomAD no frequency). This variant has not been reported in the literature in individuals affected with LZTR1-related conditions. ClinVar contains an entry for this variant (Variation ID: 3238229). Invitae Evidence Modeling of protein sequence and biophysical properties (such as structural, functional, and spatial information, amino acid conservation, physicochemical variation, residue mobility, and thermodynamic stability) indicates that this missense variant is not expected to disrupt LZTR1 protein function with a negative predictive value of 80%. In summary, the available evidence is currently insufficient to determine the role of this variant in disease. Therefore, it has been classified as a Variant of Uncertain Significance.

Ambry Genetics
Classification: Uncertain significance for Cardiovascular phenotype; Hereditary cancer-predisposing syndrome. Last evaluated: 2023-06-30. Review status: criteria provided, single submitter. Criteria: Ambry Variant Classification Scheme 2023. Collection method: clinical testing. Allele origin: germline.
Comment: The p.E765D variant (also known as c.2295G>C), located in coding exon 19 of the LZTR1 gene, results from a G to C substitution at nucleotide position 2295. The glutamic acid at codon 765 is replaced by aspartic acid, an amino acid with highly similar properties. This amino acid position is conserved. In addition, the in silico prediction for this alteration is inconclusive. Since supporting evidence is limited at this time, the clinical significance of this alteration remains unclear.